The following is an entry in ClinVar:

ClinVar aggregate classification (germline): Uncertain significance (1 of 4 stars; one submission).

Submission:

Labcorp Genetics (formerly Invitae), Labcorp
Classification: Uncertain significance. Last evaluated: 2022-03-18. Review status: criteria provided, single submitter. Criteria: Invitae Variant Classification Sherloc (09022015). Collection method: clinical testing. Allele origin: germline.
Comment: In summary, the available evidence is currently insufficient to determine the role of this variant in disease. Therefore, it has been classified as a Variant of Uncertain Significance. Algorithms developed to predict the effect of missense changes on protein structure and function (SIFT, PolyPhen-2, Align-GVGD) all suggest that this variant is likely to be disruptive. This variant has not been reported in the literature in individuals affected with TNNI3K-related conditions. This variant is not present in population databases (gnomAD no frequency). This sequence change replaces valine, which is neutral and non-polar, with leucine, which is neutral and non-polar, at codon 487 of the TNNI3K protein (p.Val487Leu).

NM_015978.3(TNNI3K):c.1459G>C (p.Val487Leu)

Genes: FPGT-TNNI3K (FPGT-TNNI3K readthrough; plus strand), TNNI3K (TNNI3 interacting kinase; plus strand). Cytogenetic location: 1p31.1.
Variant type: single nucleotide variant.
Coding change: c.1459G>C on transcript NM_015978.3 (MANE Select); coding-DNA position 1459, G replaced by C.
Protein change: p.Val487Leu; replaces valine 487 with leucine.
Molecular consequence: missense variant.
Genome position (GRCh38, 1-based): chr1:74,369,251, G>C. VCF-style: chr1-74369251-G-C. GRCh37 (hg19) VCF-style: chr1-74834935-G-C.
Other names: c.1762G>C, p.Val588Leu (NM_001112808.3, NM_001199327.2); short protein forms V487L, V588L.
Identifiers: ClinVar variation 1414448 (VCV001414448.8), dbSNP rs2100519918, ClinGen allele CA340786011.